The following is an entry in ClinVar:

ClinVar aggregate classification (germline): Likely benign. Review status: criteria provided, multiple submitters, no conflicts (2 of 4 stars). 3 submissions from 3 submitters: Likely benign (2). 1 of the submissions does not count toward it. Last evaluated 2025-04-14.

Conditions:
CHD4-related disorder. Also called: CHD4-related condition.
Inborn genetic diseases. Identifiers: MedGen C0950123, MeSH D030342.

Allele frequency attached by ClinVar (database versions not stated): TOPMed 0.00002; gnomAD 0.00001; ExAC 0.00002.
gnomAD v4.1: 21 of 1,614,126 alleles (0.0013%); highest among the groups gnomAD compares: Admixed American, 0.023%; no homozygotes.

Submissions (3):

Labcorp Genetics (formerly Invitae), Labcorp
Classification: Likely benign. Last evaluated: 2025-04-14. Review status: criteria provided, single submitter. Criteria: Invitae Variant Classification Sherloc (09022015). Collection method: clinical testing. Allele origin: germline.

Ambry Genetics
Classification: Likely benign for Inborn genetic diseases. Last evaluated: 2021-09-01. Review status: criteria provided, single submitter. Criteria: Ambry Variant Classification Scheme 2023. Collection method: clinical testing. Allele origin: germline.

PreventionGenetics, part of Exact Sciences
Classification: Uncertain significance for CHD4-related condition. Last evaluated: 2024-02-23. Review status: no assertion criteria provided. Collection method: clinical testing. Allele origin: germline. Not counted in ClinVar's aggregate classification.
Comment: The CHD4 c.5285A>G variant is predicted to result in the amino acid substitution p.Asn1762Ser. To our knowledge, this variant has not been reported in the literature. This variant is reported in 0.037% of alleles in individuals of Latino descent in gnomAD. Although we suspect that this variant may be benign, at this time, the clinical significance of this variant is uncertain due to the absence of conclusive functional and genetic evidence.

NM_001273.5(CHD4):c.5285A>G (p.Asn1762Ser)

Genes: CHD4 (chromodomain helicase DNA binding protein 4; minus strand), CHD4-AS1 (CHD4 antisense RNA 1; plus strand). Cytogenetic location: 12p13.31.
Variant type: single nucleotide variant.
Coding change: c.5285A>G on transcript NM_001273.5 (MANE Select); coding-DNA position 5285, A replaced by G.
Protein change: p.Asn1762Ser; replaces asparagine 1762 with serine.
Molecular consequence: missense variant.
Genome position (GRCh38, 1-based): chr12:6,577,861, T>C on the plus strand (A>G on the coding strand, the complement: CHD4 is on the minus strand). VCF-style: chr12-6577861-T-C. GRCh37 (hg19) VCF-style: chr12-6687027-T-C.
Other names: c.5264A>G, p.Asn1755Ser (NM_001297553.2); c.5252A>G, p.Asn1751Ser (NM_001363606.2); c.5285A>G (NM_001273.3); short protein forms N1755S, N1762S, N1751S.
Identifiers: ClinVar variation 2208744 (VCV002208744.6), dbSNP rs769476360, ClinGen allele CA6411257.